The following is an entry in ClinVar:

NM_000071.3(CBS):c.985G>C (p.Glu329Gln)

Gene: CBS (cystathionine beta-synthase; minus strand). Cytogenetic location: 21q22.3.
Variant type: single nucleotide variant.
Coding change: c.985G>C on transcript NM_000071.3 (MANE Select); coding-DNA position 985, G replaced by C.
Protein change: p.Glu329Gln; replaces glutamic acid 329 with glutamine.
Molecular consequence: missense variant.
Genome position (GRCh38, 1-based): chr21:43,062,365, C>G on the plus strand (G>C on the coding strand, the complement: CBS is on the minus strand). VCF-style: chr21-43062365-C-G. GRCh37 (hg19) VCF-style: chr21-44482475-C-G.
Other names: c.985G>C, p.Glu329Gln (NM_001178008.3, NM_001178009.3, NM_001320298.2); c.670G>C, p.Glu224Gln (NM_001321072.1); short protein forms E224Q, E329Q.
Identifiers: ClinVar variation 3603606 (VCV003603606.2).

ClinVar aggregate classification (germline): Uncertain significance (1 of 4 stars; one submission).

Conditions:
HYPERHOMOCYSTEINEMIA, THROMBOTIC, CBS-RELATED. Identifiers: MedGen C3150344, OMIM 236200.

Submission:

Labcorp Genetics (formerly Invitae), Labcorp
Classification: Uncertain significance for HYPERHOMOCYSTEINEMIA, THROMBOTIC, CBS-RELATED. Last evaluated: 2024-10-23. Review status: criteria provided, single submitter. Criteria: Invitae Variant Classification Sherloc (09022015). Collection method: clinical testing. Allele origin: germline.
Comment: This sequence change replaces glutamic acid, which is acidic and polar, with glutamine, which is neutral and polar, at codon 329 of the CBS protein (p.Glu329Gln). This variant is not present in population databases (gnomAD no frequency). This variant has not been reported in the literature in individuals affected with CBS-related conditions. An algorithm developed to predict the effect of missense changes on protein structure and function outputs the following: PolyPhen-2: "Benign". The glutamine amino acid residue is found in multiple mammalian species, which suggests that this missense change does not adversely affect protein function. In summary, the available evidence is currently insufficient to determine the role of this variant in disease. Therefore, it has been classified as a Variant of Uncertain Significance.